The following is an entry in ClinVar:

ClinVar aggregate classification (germline): Uncertain significance. Review status: criteria provided, multiple submitters, no conflicts (2 of 4 stars). 2 submissions from 2 submitters: Uncertain significance (2). Last evaluated 2023-04-07.

Conditions:
Inborn genetic diseases. Identifiers: MedGen C0950123, MeSH D030342.

Allele frequency attached by ClinVar (database versions not stated): TOPMed below 0.00001; gnomAD exomes 0.00001.
gnomAD v4.1: 15 of 1,605,708 alleles (0.00093%); highest among the groups gnomAD compares: Non-Finnish European, 0.0013%; no homozygotes.

Submissions (2):

Ambry Genetics
Classification: Uncertain significance for Inborn genetic diseases. Last evaluated: 2023-04-07. Review status: criteria provided, single submitter. Criteria: Ambry Variant Classification Scheme 2023. Collection method: clinical testing. Allele origin: germline.

Labcorp Genetics (formerly Invitae), Labcorp
Classification: Uncertain significance. Last evaluated: 2022-06-15. Review status: criteria provided, single submitter. Criteria: Invitae Variant Classification Sherloc (09022015). Collection method: clinical testing. Allele origin: germline.
Comment: In summary, the available evidence is currently insufficient to determine the role of this variant in disease. Therefore, it has been classified as a Variant of Uncertain Significance. Algorithms developed to predict the effect of missense changes on protein structure and function are either unavailable or do not agree on the potential impact of this missense change (SIFT: "Deleterious"; PolyPhen-2: "Not Available"; Align-GVGD: "Class C0"). This variant has not been reported in the literature in individuals affected with PCLO-related conditions. This variant is not present in population databases (gnomAD no frequency). This sequence change replaces proline, which is neutral and non-polar, with leucine, which is neutral and non-polar, at codon 3074 of the PCLO protein (p.Pro3074Leu).

NM_033026.6(PCLO):c.9221C>T (p.Pro3074Leu)

Gene: PCLO (piccolo presynaptic cytomatrix protein; minus strand). Cytogenetic location: 7q21.11.
Variant type: single nucleotide variant.
Coding change: c.9221C>T on transcript NM_033026.6 (MANE Select); coding-DNA position 9221, C replaced by T.
Protein change: p.Pro3074Leu; replaces proline 3074 with leucine.
Molecular consequence: missense variant.
Genome position (GRCh38, 1-based): chr7:82,951,367, G>A on the plus strand (C>T on the coding strand, the complement: PCLO is on the minus strand). VCF-style: chr7-82951367-G-A. GRCh37 (hg19) VCF-style: chr7-82580683-G-A.
Other names: c.9221C>T (NM_033026.5); c.9221C>T, p.Pro3074Leu (NM_014510.3); short protein forms P3074L.
Identifiers: ClinVar variation 1901844 (VCV001901844.7), dbSNP rs755159740, ClinGen allele CA367908950.